The following is an entry in ClinVar:

NM_130810.4(DNAAF4):c.-3G>A

Genes: DNAAF4 (dynein axonemal assembly factor 4; minus strand), DNAAF4-CCPG1 (DNAAF4-CCPG1 readthrough (NMD candidate); minus strand). Cytogenetic location: 15q21.3.
Variant type: single nucleotide variant.
Coding change: c.-3G>A on transcript NM_130810.4 (MANE Select); 3 bases upstream of the start codon, G replaced by A.
Molecular consequence: 5 prime UTR variant. On other transcripts: non-coding transcript variant (1).
Genome position (GRCh38, 1-based): chr15:55,498,332, C>T on the plus strand (G>A on the coding strand, the complement: DNAAF4 is on the minus strand). VCF-style: chr15-55498332-C-T. GRCh37 (hg19) VCF-style: chr15-55790530-C-T.
Other names: c.-3G>A (NM_001033559.3, NM_001033560.2).
Identifiers: ClinVar variation 2135 (VCV000002135.18), dbSNP rs3743205, ClinGen allele CA115363.

ClinVar aggregate classification (germline): Benign/Likely benign. Review status: criteria provided, multiple submitters, no conflicts (2 of 4 stars). 8 submissions from 8 submitters: Benign (6); Likely benign (1). 1 of the submissions does not count toward it. Last evaluated 2026-01-19.

Conditions:
Dyslexia, susceptibility to, 1. Also called: READING DISABILITY, SPECIFIC, 1; WORD-BLINDNESS, CONGENITAL. Identifiers: MedGen C1851967, MONDO:0007487, OMIM 127700.

Allele frequency attached by ClinVar (database versions not stated): 1000 Genomes Project 0.10323; 1000 Genomes Project 30x 0.10603; TOPMed 0.10629; ESP Exome Variant Server 0.11126.

Submissions (8):

Labcorp Genetics (formerly Invitae), Labcorp
Classification: Benign. Last evaluated: 2026-01-19. Review status: criteria provided, single submitter. Criteria: Invitae Variant Classification Sherloc (09022015). Collection method: clinical testing. Allele origin: germline.

Blueprint Genetics
Classification: Likely benign. Last evaluated: 2024-11-27. Review status: criteria provided, single submitter. Criteria: ACMG Guidelines, 2015. Collection method: clinical testing. Allele origin: germline.

Mayo Clinic Laboratories, Mayo Clinic
Classification: Benign. Last evaluated: 2023-01-05. Review status: criteria provided, single submitter. Criteria: ACMG Guidelines, 2015. Collection method: clinical testing. Allele origin: germline. Observed: 24 variant alleles.
Comment: BA1

GeneDx
Classification: Benign. Last evaluated: 2018-12-31. Review status: criteria provided, single submitter. Criteria: GeneDx Variant Classification Process June 2021. Collection method: clinical testing. Allele origin: germline. Affected: yes.
Comment: This variant is associated with the following publications: (PMID: 12954984, 22383464, 18445785, 23065966, 23341075)

Laboratory for Molecular Medicine, Mass General Brigham Personalized Medicine
Classification: Benign. Last evaluated: 2016-03-29. Review status: criteria provided, single submitter. Criteria: LMM Criteria. Collection method: clinical testing. Allele origin: germline.
Comment: Variant identified in a genome or exome case(s) and assessed due to predicted null impact of the variant or pathogenic assertions in the literature or databases. Disclaimer: This variant has not undergone full assessment. The following are preliminary notes: Frequency, variant associated with dyslexia

Breakthrough Genomics
Classification: Benign. Review status: criteria provided, single submitter. Criteria: ACMG Guidelines, 2015. Collection method: not provided. Allele origin: germline. Inheritance: Autosomal recessive inheritance. Affected: yes.

PreventionGenetics, part of Exact Sciences
Classification: Benign. Review status: criteria provided, single submitter. Criteria: ACMG Guidelines, 2015. Collection method: clinical testing. Allele origin: germline.

OMIM
Classification: risk factor for DYSLEXIA, SUSCEPTIBILITY TO, 1. Last evaluated: 2003-09-30. Review status: no assertion criteria provided. Collection method: literature only. Allele origin: germline. Not counted in ClinVar's aggregate classification.

Literature cited by the submitters: PubMed 12954984 (cited by OMIM).